The following is an entry in ClinVar:

ClinVar aggregate classification (germline): Benign/Likely benign. Review status: criteria provided, multiple submitters, no conflicts (2 of 4 stars). 4 submissions from 4 submitters: Benign (1); Likely benign (3). Last evaluated 2025-11-16.

Conditions:
Hereditary cancer-predisposing syndrome. Also called: Neoplastic Syndromes, Hereditary; Tumor predisposition; Hereditary neoplastic syndrome; Hereditary Cancer Syndrome. Identifiers: Orphanet 140162, MedGen C0027672, MeSH D009386, MONDO:0015356.
Hereditary diffuse gastric adenocarcinoma (HDGC). Also called: DIFFUSE GASTRIC AND LOBULAR BREAST CANCER SYNDROME. Identifiers: Orphanet 26106, MedGen C1708349, MONDO:0007648, OMIM 137215.

Allele frequency attached by ClinVar (database versions not stated): ESP Exome Variant Server 0.00008; gnomAD exomes below 0.00001 and 0.00001; ExAC 0.00002; TOPMed 0.00002.

Submissions (4):

Labcorp Genetics (formerly Invitae), Labcorp
Classification: Likely benign. Last evaluated: 2025-11-16. Review status: criteria provided, single submitter. Criteria: Invitae Variant Classification Sherloc (09022015). Collection method: clinical testing. Allele origin: germline.

CeGaT Center for Human Genetics Tuebingen
Classification: Likely benign. Last evaluated: 2024-11-01. Review status: criteria provided, single submitter. Criteria: CeGaT Center For Human Genetics Tuebingen Variant Classification Criteria Version 2. Collection method: clinical testing. Allele origin: germline. Affected: yes. Observed: 2 variant alleles.
Comment: CTNNA1: BP4, BP7

Myriad Genetics, Inc.
Classification: Benign for Hereditary diffuse gastric adenocarcinoma. Last evaluated: 2024-10-09. Review status: criteria provided, single submitter. Criteria: Myriad Autosomal Dominant, Autosomal Recessive and X-Linked Classification Criteria (2023). Collection method: clinical testing. Allele origin: unknown.
Comment: This variant is considered benign. This variant is a silent/synonymous amino acid change and it is not expected to impact splicing.

Ambry Genetics
Classification: Likely benign for Hereditary cancer-predisposing syndrome. Last evaluated: 2019-10-03. Review status: criteria provided, single submitter. Criteria: Ambry Variant Classification Scheme 2023. Collection method: clinical testing. Allele origin: germline.

NM_001903.5(CTNNA1):c.246G>A (p.Glu82=)

Gene: CTNNA1 (catenin alpha 1; plus strand). Cytogenetic location: 5q31.2.
Variant type: single nucleotide variant.
Coding change: c.246G>A on transcript NM_001903.5 (MANE Select); coding-DNA position 246, G replaced by A.
Protein change: p.Glu82=; no amino-acid change (glutamic acid 82 retained).
Molecular consequence: synonymous variant. On other transcripts: intron variant (2).
Genome position (GRCh38, 1-based): chr5:138,783,317, G>A. VCF-style: chr5-138783317-G-A. GRCh37 (hg19) VCF-style: chr5-138119006-G-A.
Other names: c.246G>A, p.Glu82= (NM_001290307.3, NM_001323982.2, NM_001323983.1 and 3 more transcripts); c.-6+45G>A (NM_001290310.3); c.-9+1288G>A (NM_001290309.3).
Identifiers: ClinVar variation 700652 (VCV000700652.30), dbSNP rs148781132, ClinGen allele CA3431384.